The following is an entry in ClinVar:

ClinVar aggregate classification (germline): Uncertain significance. Review status: criteria provided, multiple submitters, no conflicts (2 of 4 stars). 2 submissions from 2 submitters: Uncertain significance (2). Last evaluated 2024-12-17.

Conditions:
Hereditary cancer-predisposing syndrome. Also called: Neoplastic Syndromes, Hereditary; Tumor predisposition; Hereditary Cancer Syndrome; Hereditary neoplastic syndrome. Identifiers: Orphanet 140162, MedGen C0027672, MeSH D009386, MONDO:0015356.
Hereditary breast ovarian cancer syndrome. Also called: Hereditary breast and ovarian cancer; BRCA1- and BRCA2-Associated Hereditary Breast and Ovarian Cancer; Hereditary breast and ovarian cancer syndrome; Hereditary breast and ovarian cancer syndrome (HBOC); Breast and ovarian cancer; Hereditary breast and/or ovarian cancer syndrome. Identifiers: Orphanet 145, MedGen C0677776, MeSH D061325, MONDO:0003582. Disease mechanism: loss of function.

Submissions (2):

Ambry Genetics
Classification: Uncertain significance for Hereditary cancer-predisposing syndrome. Last evaluated: 2024-12-17. Review status: criteria provided, single submitter. Criteria: Ambry Variant Classification Scheme 2023. Collection method: clinical testing. Allele origin: germline.
Comment: The c.317-6T>G intronic alteration consists of a T to G substitution 6 nucleotides before coding exon 3 in the BRCA2 gene. Based on insufficient or conflicting evidence, the clinical significance of this alteration remains unclear.

Labcorp Genetics (formerly Invitae), Labcorp
Classification: Uncertain significance for Hereditary breast ovarian cancer syndrome. Last evaluated: 2023-01-22. Review status: criteria provided, single submitter. Criteria: Invitae Variant Classification Sherloc (09022015). Collection method: clinical testing. Allele origin: germline.
Comment: This sequence change falls in intron 3 of the BRCA2 gene. It does not directly change the encoded amino acid sequence of the BRCA2 protein. This variant is not present in population databases (gnomAD no frequency). This variant has not been reported in the literature in individuals affected with BRCA2-related conditions. Algorithms developed to predict the effect of sequence changes on RNA splicing suggest that this variant may disrupt the consensus splice site. In summary, the available evidence is currently insufficient to determine the role of this variant in disease. Therefore, it has been classified as a Variant of Uncertain Significance.

NM_000059.4(BRCA2):c.317-6T>G

Gene: BRCA2 (BRCA2 DNA repair associated; plus strand). Cytogenetic location: 13q13.1.
Variant type: single nucleotide variant.
Coding change: c.317-6T>G on transcript NM_000059.4 (MANE Select); 6 bases into the intron before coding-DNA position 317, T replaced by G.
Molecular consequence: intron variant.
Genome position (GRCh38, 1-based): chr13:32,325,070, T>G. VCF-style: chr13-32325070-T-G. GRCh37 (hg19) VCF-style: chr13-32899207-T-G.
Other names: c.317-6T>G (NM_000059.3, NM_001406720.1, NM_001406719.1 and 1 more transcripts); c.-53-6T>G (NM_001406722.1).
Identifiers: ClinVar variation 2831112 (VCV002831112.4), dbSNP rs2137445946, ClinGen allele CA2739277552.
Genomic context (GRCh38, chr13:32,325,070, plus strand): 5'-TTCCAAAGAATGCAAATTTATAATCCAGAGTATATACATTCTCACTGAATTATTGTACTG[T>G]TTCAGGAAGGAATGTTCCCAATAGTAGACATAAAAGTCTTCGCACAGTGAAAACTAAAAT-3'